The following is an entry in ClinVar:

NM_001365536.1(SCN9A):c.4126G>A (p.Val1376Ile)

Genes: SCN9A (sodium voltage-gated channel alpha subunit 9; minus strand), SCN1A-AS1 (SCN1A and SCN9A antisense RNA 1; plus strand). Cytogenetic location: 2q24.3.
Variant type: single nucleotide variant.
Coding change: c.4126G>A on transcript NM_001365536.1 (MANE Select); coding-DNA position 4126, G replaced by A.
Protein change: p.Val1376Ile; replaces valine 1376 with isoleucine.
Molecular consequence: missense variant.
Genome position (GRCh38, 1-based): chr2:166,228,771, C>T on the plus strand (G>A on the coding strand, the complement: SCN9A is on the minus strand). VCF-style: chr2-166228771-C-T. GRCh37 (hg19) VCF-style: chr2-167085281-C-T.
Other names: c.4093G>A, p.Val1365Ile (NM_002977.4); short protein forms V1365I, V1376I.
Identifiers: ClinVar variation 2942927 (VCV002942927.3), dbSNP rs1447844521, ClinGen allele CA349063484.
Genomic context (GRCh38, chr2:166,228,771, plus strand): 5'-AACCAAGTCCGACATTATCAAAGTTCACTTTCAGGTTTTTCCATCGCACATTTTGACTAA[C>T]ATTCATAAGGGCAAAACATTCGGAACGATTTGGAACTTGACTTGCAGGAAACCGTGACCC-3'
Protein context (NP_001352465.1, residues 1366-1386): NRSECFALMN[Val1376Ile]SQNVRWKNLK

ClinVar aggregate classification (germline): Uncertain significance (1 of 4 stars; one submission).

Conditions:
Neuropathy, hereditary sensory and autonomic, type 2A (HSAN2A). Also called: ACROOSTEOLYSIS, GIACCAI TYPE; ACROOSTEOLYSIS, NEUROGENIC; MORVAN DISEASE; NEUROPATHY, CONGENITAL SENSORY; NEUROPATHY, HEREDITARY SENSORY RADICULAR, AUTOSOMAL RECESSIVE; NEUROPATHY, HEREDITARY SENSORY, TYPE IIA. Identifiers: Orphanet 970, MedGen C2752089, MONDO:0024309, OMIM 201300.
Generalized epilepsy with febrile seizures plus, type 7 (GEFSP7). Also called: GEFS+, TYPE 7. Identifiers: Orphanet 36387, MedGen C2751778, MONDO:0013470, OMIM 613863.

Submission:

Labcorp Genetics (formerly Invitae), Labcorp
Classification: Uncertain significance for Neuropathy, hereditary sensory and autonomic, type 2A; Generalized epilepsy with febrile seizures plus, type 7. Last evaluated: 2025-06-15. Review status: criteria provided, single submitter. Criteria: Invitae Variant Classification Sherloc (09022015). Collection method: clinical testing. Allele origin: germline.
Comment: This sequence change replaces valine, which is neutral and non-polar, with isoleucine, which is neutral and non-polar, at codon 1365 of the SCN9A protein (p.Val1365Ile). This variant is not present in population databases (gnomAD no frequency). This variant has not been reported in the literature in individuals affected with SCN9A-related conditions. ClinVar contains an entry for this variant (Variation ID: 2942927). An algorithm developed to predict the effect of missense changes on protein structure and function outputs the following: PolyPhen-2: "Benign". The isoleucine amino acid residue is found in multiple mammalian species, which suggests that this missense change does not adversely affect protein function. In summary, the available evidence is currently insufficient to determine the role of this variant in disease. Therefore, it has been classified as a Variant of Uncertain Significance.